The following is an entry in ClinVar:

NM_000179.3(MSH6):c.597del (p.Ser200fs)

Gene: MSH6 (mutS homolog 6; plus strand). Cytogenetic location: 2p16.3.
Variant type: Deletion.
Coding change: c.597del on transcript NM_000179.3 (MANE Select); coding-DNA position 597, one base deleted (C; older notation c.597delC).
Protein change: p.Ser200fs; shifts the reading frame from serine 200.
Molecular consequence: frameshift variant. On other transcripts: 5 prime UTR variant (1), intron variant (2).
Genome position (GRCh38, 1-based): chr2:47,796,033, C deleted; the last of 3 consecutive C bases (chr2:47,796,031-47,796,033); deleting any one gives the same sequence. VCF-style (leftmost placement, unchanged base first): chr2-47796030-GC-G. GRCh37 (hg19) VCF-style: chr2-48023169-GC-G.
Other names: c.-306del (NM_001281494.2); c.-279-2578del (NM_001281493.2); c.238-2578del (NM_001281492.2); short protein forms S200fs.
Identifiers: ClinVar variation 617679 (VCV000617679.3), dbSNP rs1572716454, ClinGen allele CA915943795.
Genomic context (GRCh38, chr2:47,796,030, plus strand): 5'-TGCAGATGAAGCCTTAAATAAAGACAAGATTAAGAGGCTTGAATTGGCAGTTTGTGATGA[GC>G]CCTCAGAGCCAGAAGAGGAAGAAGAGATGGAGGTGGGACACGGCAAGCATTCAGTTGTTA-3'

ClinVar aggregate classification (germline): Pathogenic (0 of 4 stars; one submission).

Conditions:
Lynch syndrome. Identifiers: Orphanet 144, MedGen C4552100, MONDO:0005835. Disease mechanism: loss of function.

Submission:

Department of Human Anatomy, Histology and Embryology;Department of Pathology, Peking University Health Science Center
Classification: Pathogenic for Lynch syndrome. Review status: no assertion criteria provided. Collection method: clinical testing. Allele origin: germline. Inheritance: Autosomal dominant inheritance. Affected: yes. Observed: 4 variant alleles, 4 homozygotes.
Comment: The biallelic deletion in MSH6 (c.597delC) was found in 4 unrelated endometrioid endometrial cancer patients without known consanguinity, they distributed in different provinces of China. Each case carried this mutation presented a wide spectrum of tumors family history such as colorectal cancer, cervical adenocarcinoma, liver cancer, lung cancer and so on.